The following is an entry in ClinVar:

NM_000384.3(APOB):c.1247C>A (p.Ala416Asp)

Gene: APOB (apolipoprotein B; minus strand). Cytogenetic location: 2p24.1.
Variant type: single nucleotide variant.
Coding change: c.1247C>A on transcript NM_000384.3 (MANE Select); coding-DNA position 1247, C replaced by A.
Protein change: p.Ala416Asp; replaces alanine 416 with aspartic acid.
Molecular consequence: missense variant.
Genome position (GRCh38, 1-based): chr2:21,032,459, G>T on the plus strand (C>A on the coding strand, the complement: APOB is on the minus strand). VCF-style: chr2-21032459-G-T. GRCh37 (hg19) VCF-style: chr2-21255331-G-T.
Other names: short protein forms A416D.
Identifiers: ClinVar variation 3231373 (VCV003231373.1), dbSNP rs2465432730, ClinGen allele CA345957904.

ClinVar aggregate classification (germline): Uncertain significance (1 of 4 stars; one submission).

Conditions:
Cardiovascular phenotype. Identifiers: MedGen CN230736.

Submission:

Ambry Genetics
Classification: Uncertain significance for Cardiovascular phenotype. Last evaluated: 2024-02-01. Review status: criteria provided, single submitter. Criteria: Ambry Variant Classification Scheme 2023. Collection method: clinical testing. Allele origin: germline.
Comment: The p.A416D variant (also known as c.1247C>A), located in coding exon 10 of the APOB gene, results from a C to A substitution at nucleotide position 1247. The alanine at codon 416 is replaced by aspartic acid, an amino acid with dissimilar properties. This amino acid position is conserved. In addition, the in silico prediction for this alteration is inconclusive. Based on the available evidence, the clinical significance of this alteration remains unclear.